The following is an entry in ClinVar:

NM_001374623.1(PNPLA1):c.675C>T (p.Ile225=)

Gene: PNPLA1 (patatin like domain 1, omega-hydroxyceramide transacylase; plus strand). Cytogenetic location: 6p21.31.
Variant type: single nucleotide variant.
Coding change: c.675C>T on transcript NM_001374623.1 (MANE Select); coding-DNA position 675, C replaced by T.
Protein change: p.Ile225=; no amino-acid change (isoleucine 225 retained).
Molecular consequence: synonymous variant.
Genome position (GRCh38, 1-based): chr6:36,294,360, C>T. VCF-style: chr6-36294360-C-T. GRCh37 (hg19) VCF-style: chr6-36262137-C-T.
Other names: c.675C>T, p.Ile225= (NM_001145717.1); c.417C>T, p.Ile139= (NM_001145716.2); c.390C>T, p.Ile130= (NM_173676.2).
Identifiers: ClinVar variation 356560 (VCV000356560.7), dbSNP rs886061374, ClinGen allele CA10622029.

ClinVar aggregate classification (germline): Conflicting classifications of pathogenicity. Review status: criteria provided, conflicting classifications (1 of 4 stars). 2 submissions from 2 submitters: Uncertain significance (1); Likely benign (1). Last evaluated 2026-04-01.

Conditions:
Autosomal recessive congenital ichthyosis 10 (ARCI10). Identifiers: Orphanet 79394, MedGen C3554355, MONDO:0014011, OMIM 615024.

Allele frequency attached by ClinVar (database versions not stated): gnomAD exomes below 0.00001; TOPMed below 0.00001; gnomAD 0.00001.
gnomAD v4.1: 8 of 1,614,050 alleles (0.0005%); highest among the groups gnomAD compares: Admixed American, 0.0033%; no homozygotes.

Submissions (2):

CeGaT Center for Human Genetics Tuebingen
Classification: Likely benign. Last evaluated: 2026-04-01. Review status: criteria provided, single submitter. Criteria: CeGaT Center For Human Genetics Tuebingen Variant Classification Criteria Version 2. Collection method: clinical testing. Allele origin: germline. Affected: yes. Observed: 1 variant allele.
Comment: PNPLA1: BP4, BP7

Illumina Laboratory Services, Illumina
Classification: Uncertain significance for Autosomal recessive congenital ichthyosis 10. Last evaluated: 2018-01-13. Review status: criteria provided, single submitter. Criteria: ICSL Variant Classification Criteria 13 December 2019. Collection method: clinical testing. Allele origin: germline.